The following is an entry in ClinVar:

NM_001035.3(RYR2):c.13897C>G (p.Leu4633Val)

Gene: RYR2 (ryanodine receptor 2; plus strand). Cytogenetic location: 1q43.
Variant type: single nucleotide variant.
Coding change: c.13897C>G on transcript NM_001035.3 (MANE Select); coding-DNA position 13897, C replaced by G.
Protein change: p.Leu4633Val; replaces leucine 4633 with valine.
Molecular consequence: missense variant.
Genome position (GRCh38, 1-based): chr1:237,793,981, C>G. VCF-style: chr1-237793981-C-G. GRCh37 (hg19) VCF-style: chr1-237957281-C-G.
Other names: short protein forms L4633V.
Identifiers: ClinVar variation 1430516 (VCV001430516.12), dbSNP rs1484013155, ClinGen allele CA345418392.

ClinVar aggregate classification (germline): Uncertain significance. Review status: criteria provided, multiple submitters, no conflicts (2 of 4 stars). 3 submissions from 3 submitters: Uncertain significance (3). Last evaluated 2024-01-03.

Conditions:
Cardiovascular phenotype. Identifiers: MedGen CN230736.
Catecholaminergic polymorphic ventricular tachycardia (CVPT). Also called: Catecholamine-induced polymorphic ventricular tachycardia. Identifiers: Orphanet 3286, MedGen C5574922, MONDO:0017990.
Catecholaminergic polymorphic ventricular tachycardia 1. Also called: VENTRICULAR TACHYCARDIA, CATECHOLAMINERGIC POLYMORPHIC, 1, WITH OR WITHOUT ATRIAL DYSFUNCTION AND/OR DILATED CARDIOMYOPATHY; RYR2-Related Catecholaminergic Polymorphic Ventricular Tachycardia; VENTRICULAR TACHYCARDIA, STRESS-INDUCED POLYMORPHIC 1. Identifiers: Orphanet 3286, MedGen C1631597, MONDO:0011484, OMIM 604772.

gnomAD v4.1: 1 of 1,611,376 alleles (0.000062%); no homozygotes.

Submissions (3):

All of Us Research Program, National Institutes of Health
Classification: Uncertain significance for Catecholaminergic polymorphic ventricular tachycardia. Last evaluated: 2024-01-03. Review status: criteria provided, single submitter. Criteria: ACMG Guidelines, 2015. Collection method: clinical testing. Allele origin: germline. Inheritance: Autosomal dominant inheritance. Observed: 1 variant allele, 1 heterozygote.
Comment: This missense variant replaces leucine with valine at codon 4633 of the RYR2 protein. Computational prediction suggests that this variant may have deleterious impact on protein structure and function (internally defined REVEL score threshold >= 0.7, PMID: 27666373). To our knowledge, functional studies have not been reported for this variant. This variant has not been reported in individuals affected with RYR2-related disorders in the literature. This variant has not been identified in the general population by the Genome Aggregation Database (gnomAD). The available evidence is insufficient to determine the role of this variant in disease conclusively. Therefore, this variant is classified as a Variant of Uncertain Significance.

This study involves interpretation of variants in research participants for the purpose of population health screening. Participant phenotype was not available at the time of variant classification. Additional details can be found in publication PMID: 35346344, PMCID: PMC8962531

Labcorp Genetics (formerly Invitae), Labcorp
Classification: Uncertain significance for Catecholaminergic polymorphic ventricular tachycardia 1. Last evaluated: 2023-04-11. Review status: criteria provided, single submitter. Criteria: Invitae Variant Classification Sherloc (09022015). Collection method: clinical testing. Allele origin: germline.
Comment: ClinVar contains an entry for this variant (Variation ID: 1430516). Advanced modeling of protein sequence and biophysical properties (such as structural, functional, and spatial information, amino acid conservation, physicochemical variation, residue mobility, and thermodynamic stability) performed at Invitae indicates that this missense variant is expected to disrupt RYR2 protein function. In summary, the available evidence is currently insufficient to determine the role of this variant in disease. Therefore, it has been classified as a Variant of Uncertain Significance. This variant has not been reported in the literature in individuals affected with RYR2-related conditions. This variant is not present in population databases (gnomAD no frequency). This sequence change replaces leucine, which is neutral and non-polar, with valine, which is neutral and non-polar, at codon 4633 of the RYR2 protein (p.Leu4633Val).

Ambry Genetics
Classification: Uncertain significance for Cardiovascular phenotype. Last evaluated: 2022-07-28. Review status: criteria provided, single submitter. Criteria: Ambry Variant Classification Scheme 2023. Collection method: clinical testing. Allele origin: germline.
Comment: The p.L4633V variant (also known as c.13897C>G), located in coding exon 95 of the RYR2 gene, results from a C to G substitution at nucleotide position 13897. The leucine at codon 4633 is replaced by valine, an amino acid with highly similar properties. This amino acid position is highly conserved in available vertebrate species. In addition, this alteration is predicted to be deleterious by in silico analysis. Since supporting evidence is limited at this time, the clinical significance of this alteration remains unclear.